The following is an entry in ClinVar:

NM_020163.3(SEMA3G):c.1041A>G (p.Ala347=)

Gene: SEMA3G (semaphorin 3G; minus strand). Cytogenetic location: 3p21.1.
Variant type: single nucleotide variant.
Coding change: c.1041A>G on transcript NM_020163.3 (MANE Select); coding-DNA position 1041, A replaced by G.
Protein change: p.Ala347=; no amino-acid change (alanine 347 retained).
Molecular consequence: synonymous variant.
Genome position (GRCh38, 1-based): chr3:52,440,479, T>C on the plus strand (A>G on the coding strand, the complement: SEMA3G is on the minus strand). VCF-style: chr3-52440479-T-C. GRCh37 (hg19) VCF-style: chr3-52474495-T-C.
Identifiers: ClinVar variation 3356911 (VCV003356911.1).
Genomic context (GRCh38, chr3:52,440,479, plus strand): 5'-CCACTGGTGCTGAGGCCCATCTCGGTGGGCAAAGGGCCCGTTGAAAACCTCCCAGATGTC[T>C]GCCATGTGGTACACACAGACGGCGAAGCCCTGGAACACGGCACTGCCGGGGCACATGGGA-3'
Protein context (NP_064548.1, residues 337-357): QGFAVCVYHM[Ala347=]DIWEVFNGPF

ClinVar aggregate classification (germline): Likely benign (0 of 4 stars; one submission).

Conditions:
SEMA3G-related disorder. Also called: SEMA3G-related condition.

Submission:

PreventionGenetics, part of Exact Sciences
Classification: Likely benign for SEMA3G-related condition. Last evaluated: 2021-06-30. Review status: no assertion criteria provided. Collection method: clinical testing. Allele origin: germline.
Comment: This variant is classified as likely benign based on ACMG/AMP sequence variant interpretation guidelines (Richards et al. 2015 PMID: 25741868, with internal and published modifications).